The following is an entry in ClinVar:

NM_004183.4(BEST1):c.1063C>T (p.Arg355Cys)

Gene: BEST1 (bestrophin 1; plus strand). Cytogenetic location: 11q12.3.
Variant type: single nucleotide variant.
Coding change: c.1063C>T on transcript NM_004183.4 (MANE Select); coding-DNA position 1063, C replaced by T.
Protein change: p.Arg355Cys; replaces arginine 355 with cysteine.
Molecular consequence: missense variant. On other transcripts: synonymous variant (1), non-coding transcript variant (1).
Genome position (GRCh38, 1-based): chr11:61,960,006, C>T. VCF-style: chr11-61960006-C-T. GRCh37 (hg19) VCF-style: chr11-61727478-C-T.
Other names: c.883C>T, p.Arg295Cys (NM_001139443.3, NM_001300787.2); c.802C>T, p.Arg268Cys (NM_001300786.2); c.745C>T, p.Arg249Cys (NM_001363591.3); c.1266C>T, p.Ser422= (NM_001363592.2); c.91C>T, p.Arg31Cys (NM_001363593.3); short protein forms R355C, R268C, R295C, R249C, R31C.
Identifiers: ClinVar variation 636154 (VCV000636154.11), dbSNP rs139637557, ClinGen allele CA6040974.

ClinVar aggregate classification (germline): Uncertain significance. Review status: criteria provided, multiple submitters, no conflicts (2 of 4 stars). 5 submissions from 5 submitters: Uncertain significance (4). 1 of the submissions does not count toward it. Last evaluated 2026-08-06.

Conditions:
BEST1-related disorder. Also called: BEST1-related condition; BEST1-related disorders. Identifiers: MedGen CN239200.
Retinal dystrophy. Also called: Inherited retinal dystrophy. Identifiers: Orphanet 71862, MedGen C0854723, MeSH D058499, MONDO:0019118, HP:0000556.
Retinitis pigmentosa (RP). Identifiers: Orphanet 791, MedGen C0035334, MeSH D012174, MONDO:0019200, OMIM 268000. Inheritance: Autosomal dominant, autosomal recessive and X linked inheritance.

Allele frequency attached by ClinVar (database versions not stated): TOPMed 0.00008; gnomAD 0.00013; gnomAD exomes 0.00017; ExAC 0.00021; ESP Exome Variant Server 0.00023.

Submissions (5):

PreventionGenetics, part of Exact Sciences
Classification: Uncertain significance for BEST1-related condition. Last evaluated: 2026-08-06. Review status: criteria provided, single submitter. Criteria: ACMG Guidelines, 2015. Collection method: clinical testing. Allele origin: germline.
Comment: The BEST1 c.1063C>T variant is predicted to result in the amino acid substitution p.Arg355Cys. This variant has been reported in an individual with retinitis pigmentosa (Table S4, Jespersgaard et al. 2019. PubMed ID: 30718709). Another variant affecting the same amino acid position, c.1064G>A, p.(Arg355His), has been reported in an individual with autosomal recessive bestrophinopathy (Table S2, Tian et al. 2017. PubMed ID: 28687848); however, two other BEST1 variants were also identified. This variant is reported in 0.027% of alleles in individuals of European (Non-Finnish) descent in gnomAD. At this time, the clinical significance of this variant is uncertain due to the absence of conclusive functional and genetic evidence.

Labcorp Genetics (formerly Invitae), Labcorp
Classification: Uncertain significance. Last evaluated: 2024-11-05. Review status: criteria provided, single submitter. Criteria: Invitae Variant Classification Sherloc (09022015). Collection method: clinical testing. Allele origin: germline.
Comment: This sequence change replaces arginine, which is basic and polar, with cysteine, which is neutral and slightly polar, at codon 355 of the BEST1 protein (p.Arg355Cys). This variant is present in population databases (rs139637557, gnomAD 0.02%). This missense change has been observed in individual(s) with retinitis pigmentosa (PMID: 30718709). ClinVar contains an entry for this variant (Variation ID: 636154). Invitae Evidence Modeling of protein sequence and biophysical properties (such as structural, functional, and spatial information, amino acid conservation, physicochemical variation, residue mobility, and thermodynamic stability) indicates that this missense variant is expected to disrupt BEST1 protein function with a positive predictive value of 95%. In summary, the available evidence is currently insufficient to determine the role of this variant in disease. Therefore, it has been classified as a Variant of Uncertain Significance.

Blueprint Genetics
Classification: Uncertain significance. Last evaluated: 2023-02-14. Review status: criteria provided, single submitter. Criteria: ACMG Guidelines, 2015. Collection method: clinical testing. Allele origin: germline.

Institute of Human Genetics, Univ. Regensburg, Univ. Regensburg
Classification: Uncertain significance for Retinal dystrophy. Last evaluated: 2023-01-01. Review status: criteria provided, single submitter. Criteria: ACMG Guidelines, 2015. Collection method: clinical testing. Allele origin: germline. Affected: yes.

Department of Clinical Genetics, Copenhagen University Hospital, Rigshospitalet
Classification: Uncertain significance for Retinitis pigmentosa. Last evaluated: 2018-04-01. Review status: no assertion criteria provided. Collection method: research. Allele origin: unknown. Affected: yes. Study: VeluxRD. Not counted in ClinVar's aggregate classification.

Literature cited by the submitters: PubMed 30718709 (cited by 3 submitters).